The following is an entry in ClinVar:

NM_001018005.2(TPM1):c.152A>G (p.Lys51Arg)

Gene: TPM1 (tropomyosin 1; plus strand). Cytogenetic location: 15q22.2.
Variant type: single nucleotide variant.
Coding change: c.152A>G on transcript NM_001018005.2 (MANE Select); coding-DNA position 152, A replaced by G.
Protein change: p.Lys51Arg; replaces lysine 51 with arginine.
Molecular consequence: missense variant. On other transcripts: intron variant (3).
Genome position (GRCh38, 1-based): chr15:63,044,064, A>G. VCF-style: chr15-63044064-A-G. GRCh37 (hg19) VCF-style: chr15-63336263-A-G.
Other names: c.152A>G, p.Lys51Arg (NM_000366.6, NM_001018004.2, NM_001018006.2 and 3 more transcripts); c.278A>G, p.Lys93Arg (NM_001365778.1); c.240+233A>G (NM_001018020.2, NM_001018007.2, NM_001301244.2); short protein forms K51R, K93R.
Identifiers: ClinVar variation 578794 (VCV000578794.11), dbSNP rs1566937728, ClinGen allele CA392718559.

ClinVar aggregate classification (germline): Uncertain significance/VUS-mid. Review status: criteria provided, multiple submitters, no conflicts (2 of 4 stars). 3 submissions from 3 submitters: Uncertain significance (2); VUS-mid (1). Last evaluated 2025-12-12.

Conditions:
Dilated cardiomyopathy 1Y (CMD1Y). Identifiers: Orphanet 154, Orphanet 54260, MedGen C2678476, MONDO:0012744, OMIM 611878.
Hypertrophic cardiomyopathy. Also called: HYPERTROPHIC MYOCARDIOPATHY. Identifiers: Orphanet 217569, MedGen C0007194, MeSH D002312, MONDO:0005045, HP:0001639.

Submissions (3):

Center for Molecular Medicine, Children’s Hospital of Fudan University
Classification: VUS-mid for Dilated cardiomyopathy 1Y. Last evaluated: 2025-12-12. Review status: criteria provided, single submitter. Criteria: ACMG Guidelines 2015. Collection method: clinical testing. Allele origin: de novo. Affected: yes.
Comment: PS2_M+PM2_Supp

Labcorp Genetics (formerly Invitae), Labcorp
Classification: Uncertain significance for Hypertrophic cardiomyopathy. Last evaluated: 2022-11-08. Review status: criteria provided, single submitter. Criteria: Invitae Variant Classification Sherloc (09022015). Collection method: clinical testing. Allele origin: germline.
Comment: ClinVar contains an entry for this variant (Variation ID: 578794). In summary, the available evidence is currently insufficient to determine the role of this variant in disease. Therefore, it has been classified as a Variant of Uncertain Significance. Algorithms developed to predict the effect of missense changes on protein structure and function (SIFT, PolyPhen-2, Align-GVGD) all suggest that this variant is likely to be tolerated. This missense change has been observed in individual(s) with clinical features of TPM1-related conditions (Invitae). This variant is not present in population databases (gnomAD no frequency). This sequence change replaces lysine, which is basic and polar, with arginine, which is basic and polar, at codon 51 of the TPM1 protein (p.Lys51Arg).

GeneDx
Classification: Uncertain significance. Last evaluated: 2021-05-19. Review status: criteria provided, single submitter. Criteria: GeneDx Variant Classification Process June 2021. Collection method: clinical testing. Allele origin: germline. Affected: yes.
Comment: Has not been previously published as pathogenic or benign to our knowledge; Reported in ClinVar as a variant of uncertain significance (ClinVar Variant ID# 578794; Landrum et al., 2016); Not observed in large population cohorts (Lek et al., 2016); In silico analysis supports that this missense variant does not alter protein structure/function